The following is an entry in ClinVar:

ClinVar aggregate classification (germline): Conflicting classifications of pathogenicity. Review status: criteria provided, conflicting classifications (1 of 4 stars). 4 submissions from 4 submitters: Uncertain significance (3); Benign (1). Last evaluated 2025-03-06.

Conditions:
DNAH11-related disorder. Also called: DNAH11-related condition.
Primary ciliary dyskinesia. Also called: Ciliary dyskinesia. Identifiers: Orphanet 244, MedGen C0008780, MONDO:0016575, HP:0012265.

Allele frequency attached by ClinVar (database versions not stated): TOPMed 0.00005; gnomAD 0.00006; gnomAD exomes 0.00006.
gnomAD v4.1: 101 of 1,607,026 alleles (0.0063%); highest among the groups gnomAD compares: South Asian, 0.056%; no homozygotes.

Submissions (4):

Labcorp Genetics (formerly Invitae), Labcorp
Classification: Benign for Primary ciliary dyskinesia. Last evaluated: 2025-03-06. Review status: criteria provided, single submitter. Criteria: Invitae Variant Classification Sherloc (09022015). Collection method: clinical testing. Allele origin: germline.

PreventionGenetics, part of Exact Sciences
Classification: Uncertain significance for DNAH11-related condition. Last evaluated: 2024-12-23. Review status: criteria provided, single submitter. Criteria: ACMG Guidelines, 2015. Collection method: clinical testing. Allele origin: germline.
Comment: The DNAH11 c.11458G>A variant is predicted to result in the amino acid substitution p.Val3820Ile. To our knowledge, this variant has not been reported in the literature. This variant is reported in 0.050% of alleles in individuals of South Asian descent in gnomAD. At this time, the clinical significance of this variant is uncertain due to the absence of conclusive functional and genetic evidence.

Ambry Genetics
Classification: Uncertain significance for Primary ciliary dyskinesia. Last evaluated: 2022-11-08. Review status: criteria provided, single submitter. Criteria: Ambry Variant Classification Scheme 2023. Collection method: clinical testing. Allele origin: germline.

GeneDx
Classification: Uncertain significance. Last evaluated: 2019-11-09. Review status: criteria provided, single submitter. Criteria: GeneDx Variant Classification Process June 2021. Collection method: clinical testing. Allele origin: germline. Affected: yes.
Comment: In silico analysis, which includes protein predictors and evolutionary conservation, supports that this variant does not alter protein structure/function; Has not been previously published as pathogenic or benign to our knowledge

NM_001277115.2(DNAH11):c.11458G>A (p.Val3820Ile)

Gene: DNAH11 (dynein axonemal heavy chain 11; plus strand). Cytogenetic location: 7p15.3.
Variant type: single nucleotide variant.
Coding change: c.11458G>A on transcript NM_001277115.2 (MANE Select); coding-DNA position 11458, G replaced by A.
Protein change: p.Val3820Ile; replaces valine 3820 with isoleucine.
Molecular consequence: missense variant.
Genome position (GRCh38, 1-based): chr7:21,864,619, G>A. VCF-style: chr7-21864619-G-A. GRCh37 (hg19) VCF-style: chr7-21904237-G-A.
Other names: short protein forms V3820I.
Identifiers: ClinVar variation 850395 (VCV000850395.15), dbSNP rs777011433, ClinGen allele CA4182754.